The following is an entry in ClinVar:

NM_001165963.4(SCN1A):c.5819T>A (p.Phe1940Tyr)

Genes: SCN1A (sodium voltage-gated channel alpha subunit 1; minus strand), LOC102724058 (uncharacterized LOC102724058; plus strand). Cytogenetic location: 2q24.3.
Variant type: single nucleotide variant.
Coding change: c.5819T>A on transcript NM_001165963.4 (MANE Select); coding-DNA position 5819, T replaced by A.
Protein change: p.Phe1940Tyr; replaces phenylalanine 1940 with tyrosine.
Molecular consequence: missense variant. On other transcripts: non-coding transcript variant (1).
Genome position (GRCh38, 1-based): chr2:165,991,456, A>T on the plus strand (T>A on the coding strand, the complement: SCN1A is on the minus strand). VCF-style: chr2-165991456-A-T. GRCh37 (hg19) VCF-style: chr2-166847966-A-T.
Other names: c.5735T>A, p.Phe1912Tyr (NM_001165964.3, NM_001353957.2, NM_001353958.2); c.5819T>A, p.Phe1940Tyr (NM_001202435.3, NM_001353948.2); c.5786T>A, p.Phe1929Tyr (NM_001353949.2, NM_001353950.2, NM_001353951.2 and 2 more transcripts); c.5783T>A, p.Phe1928Tyr (NM_001353954.2, NM_001353955.2); c.5732T>A, p.Phe1911Tyr (NM_001353960.2); c.3377T>A, p.Phe1126Tyr (NM_001353961.2); short protein forms F1126Y, F1911Y, F1912Y, F1928Y, F1929Y, F1940Y.
Identifiers: ClinVar variation 1715838 (VCV001715838.5), dbSNP rs2468325671, ClinGen allele CA349063678.
Genomic context (GRCh38, chr2:165,991,456, plus strand): 5'-ATCATGTCTTCTTTTATAAGAAGATTAGCCCCACCTTTGATTTTGTTTTTATTGTACGTA[A>T]AGGAAGCTTGTTTTACAGTTCGCTTTAAAAGGTGGCGTCTGTAAGCACGCTGAATAATGA-3'
Protein context (NP_001159435.1, residues 1930-1950): LLKRTVKQAS[Phe1940Tyr]TYNKNKIKGG

ClinVar aggregate classification (germline): Uncertain significance (1 of 4 stars; one submission).

Conditions:
Early-infantile DEE. Also called: Early infantile epileptic encephalopathy with suppression bursts; Early infantile epileptic encephalopathy; Ohtahara syndrome. Identifiers: Orphanet 1934, MedGen C0393706, MONDO:0800491.

Submission:

Labcorp Genetics (formerly Invitae), Labcorp
Classification: Uncertain significance for Early-infantile DEE. Last evaluated: 2022-08-16. Review status: criteria provided, single submitter. Criteria: Invitae Variant Classification Sherloc (09022015). Collection method: clinical testing. Allele origin: germline.
Comment: In summary, the available evidence is currently insufficient to determine the role of this variant in disease. Therefore, it has been classified as a Variant of Uncertain Significance. Advanced modeling of protein sequence and biophysical properties (such as structural, functional, and spatial information, amino acid conservation, physicochemical variation, residue mobility, and thermodynamic stability) performed at Invitae indicates that this missense variant is not expected to disrupt SCN1A protein function. This variant has not been reported in the literature in individuals affected with SCN1A-related conditions. This variant is not present in population databases (gnomAD no frequency). This sequence change replaces phenylalanine, which is neutral and non-polar, with tyrosine, which is neutral and polar, at codon 1940 of the SCN1A protein (p.Phe1940Tyr).